The following is an entry in ClinVar:

ClinVar aggregate classification (germline): Likely benign. Review status: criteria provided, multiple submitters, no conflicts (2 of 4 stars). 5 submissions from 5 submitters: Likely benign (4). 1 of the submissions does not count toward it. Last evaluated 2026-04-01.

Conditions:
Cystic fibrosis (CF). Also called: MUCOVISCIDOSIS. Identifiers: Orphanet 586, MedGen C0010674, MONDO:0009061, OMIM 219700. Disease mechanism: loss of function.
CFTR-related disorder (CFTR-RD). Also called: CFTR-related disorders; CFTR-related condition. Identifiers: MedGen C5924204, MONDO:7770004.

Allele frequency attached by ClinVar (database versions not stated): TOPMed below 0.00001; gnomAD exomes 0.00001 and 0.00002; ExAC 0.00002.
gnomAD v4.1: 13 of 1,613,100 alleles (0.00081%); highest among the groups gnomAD compares: South Asian, 0.014%; no homozygotes.

Submissions (5):

CeGaT Center for Human Genetics Tuebingen
Classification: Likely benign. Last evaluated: 2026-04-01. Review status: criteria provided, single submitter. Criteria: CeGaT Center For Human Genetics Tuebingen Variant Classification Criteria Version 2. Collection method: clinical testing. Allele origin: germline. Affected: yes. Observed: 2 variant alleles.
Comment: CFTR: BP4, BP7

Women's Health and Genetics/Laboratory Corporation of America, LabCorp
Classification: Likely benign. Last evaluated: 2024-12-06. Review status: criteria provided, single submitter. Criteria: LabCorp Variant Classification Summary - May 2015. Collection method: clinical testing. Allele origin: germline.

Labcorp Genetics (formerly Invitae), Labcorp
Classification: Likely benign for Cystic fibrosis. Last evaluated: 2024-01-02. Review status: criteria provided, single submitter. Criteria: Invitae Variant Classification Sherloc (09022015). Collection method: clinical testing. Allele origin: germline.

Ambry Genetics
Classification: Likely benign for Cystic fibrosis. Last evaluated: 2020-03-19. Review status: criteria provided, single submitter. Criteria: Ambry Variant Classification Scheme 2023. Collection method: clinical testing. Allele origin: germline.

PreventionGenetics, part of Exact Sciences
Classification: Likely benign for CFTR-related condition. Last evaluated: 2023-09-11. Review status: no assertion criteria provided. Collection method: clinical testing. Allele origin: germline. Not counted in ClinVar's aggregate classification.
Comment: This variant is classified as likely benign based on ACMG/AMP sequence variant interpretation guidelines (Richards et al. 2015 PMID: 25741868, with internal and published modifications).

NM_000492.4(CFTR):c.3627A>G (p.Gln1209=)

Genes: CFTR (CF transmembrane conductance regulator; plus strand), CFTR-AS2 (CFTR antisense RNA 2; minus strand). Cytogenetic location: 7q31.2.
Variant type: single nucleotide variant.
Coding change: c.3627A>G on transcript NM_000492.4 (MANE Select); coding-DNA position 3627, A replaced by G.
Protein change: p.Gln1209=; no amino-acid change (glutamine 1209 retained).
Molecular consequence: synonymous variant.
Genome position (GRCh38, 1-based): chr7:117,627,680, A>G. VCF-style: chr7-117627680-A-G. GRCh37 (hg19) VCF-style: chr7-117267734-A-G.
Identifiers: ClinVar variation 1157769 (VCV001157769.32), dbSNP rs770069168, ClinGen allele CA4451509.